The following is an entry in ClinVar:

NM_001025603.2(RFX5):c.602del (p.Val201fs)

Gene: RFX5 (regulatory factor X5; minus strand). Cytogenetic location: 1q21.3.
Variant type: Deletion.
Coding change: c.602del on transcript NM_001025603.2 (MANE Select); coding-DNA position 602, one base deleted (T; older notation c.602delT).
Protein change: p.Val201fs; shifts the reading frame from valine 201.
Molecular consequence: frameshift variant.
Genome position (GRCh38, 1-based): chr1:151,343,836, A deleted on the plus strand (T on the coding strand, the reverse complement: RFX5 is on the minus strand). VCF-style (leftmost placement, unchanged base first): chr1-151343835-CA-C. GRCh37 (hg19) VCF-style: chr1-151316311-CA-C.
Other names: c.602del, p.Val201fs (NM_000449.4, NM_001379412.1, NM_001379413.1 and 5 more transcripts); c.482del, p.Val161fs (NM_001379419.1, NM_001379420.1); short protein forms V161fs, V201fs.
Identifiers: ClinVar variation 1380120 (VCV001380120.6), dbSNP rs1557832711, ClinGen allele CA526660373.

ClinVar aggregate classification (germline): Pathogenic (1 of 4 stars; one submission).

Conditions:
MHC class II deficiency. Also called: BLS, TYPE II; Bare lymphocyte syndrome 2. Identifiers: Orphanet 572, MedGen C5447452, MONDO:0008855.

Allele frequency attached by ClinVar (database versions not stated): gnomAD exomes below 0.00001.

Submission:

Labcorp Genetics (formerly Invitae), Labcorp
Classification: Pathogenic for MHC class II deficiency. Last evaluated: 2022-08-31. Review status: criteria provided, single submitter. Criteria: Invitae Variant Classification Sherloc (09022015). Collection method: clinical testing. Allele origin: germline.
Comment: ClinVar contains an entry for this variant (Variation ID: 1380120). Algorithms developed to predict the effect of sequence changes on RNA splicing suggest that this variant may disrupt the consensus splice site. For these reasons, this variant has been classified as Pathogenic. This variant has not been reported in the literature in individuals affected with RFX5-related conditions. This variant is present in population databases (no rsID available, gnomAD 0.003%). This sequence change creates a premature translational stop signal (p.Val201Glyfs*7) in the RFX5 gene. It is expected to result in an absent or disrupted protein product. Loss-of-function variants in RFX5 are known to be pathogenic (PMID: 7744245, 9401005, 10079298).

Literature cited by the submitters: PubMed 7744245; PubMed 9401005; PubMed 10079298.